The following is an entry in ClinVar:

ClinVar aggregate classification (germline): Likely pathogenic. Review status: criteria provided, multiple submitters, no conflicts (2 of 4 stars). 5 submissions from 5 submitters: Likely pathogenic (4). 1 of the submissions does not count toward it. Last evaluated 2024-03-25.

Conditions:
Fanconi anemia (FA). Also called: Fanconi's anemia. Identifiers: Orphanet 84, MedGen C0015625, MeSH D005199, MONDO:0019391.
Fanconi anemia complementation group A (FANCA). Also called: Fanconi anemia, group A; FANCA-Related Fanconi Anemia. Identifiers: Orphanet 84, MedGen C3469521, MONDO:0009215, OMIM 227650.

Submissions (5):

Natera, Inc.
Classification: Likely pathogenic for Fanconi anemia. Last evaluated: 2024-03-25. Review status: criteria provided, single submitter. Criteria: Natera Variant Classification Schema (03/2026). Collection method: clinical testing. Allele origin: germline.
Comment: The c.2316+1_2316+3delGTG variant in FANCA is a canonical splice donor site variant predicted to affect pre-mRNA splicing, which may result in an abnormal transcript and altered protein product. This variant is expected to result in nonsense mediated decay, truncation, or a dysfunctional protein product. This variant is rare in the general population with a frequency below the threshold expected for the associated phenotype(s). Given the available evidence, this variant is classified as Likely Pathogenic.

Baylor Genetics
Classification: Likely pathogenic for Fanconi anemia complementation group A. Last evaluated: 2023-08-08. Review status: criteria provided, single submitter. Criteria: ACMG Guidelines, 2015. Collection method: clinical testing. Allele origin: unknown.

Labcorp Genetics (formerly Invitae), Labcorp
Classification: Likely pathogenic for Fanconi anemia. Last evaluated: 2021-12-07. Review status: criteria provided, single submitter. Criteria: Invitae Variant Classification Sherloc (09022015). Collection method: clinical testing. Allele origin: germline.
Comment: Algorithms developed to predict the effect of sequence changes on RNA splicing suggest that this variant may disrupt the consensus splice site. In summary, the currently available evidence indicates that the variant is pathogenic, but additional data are needed to prove that conclusively. Therefore, this variant has been classified as Likely Pathogenic. ClinVar contains an entry for this variant (Variation ID: 974029). This sequence change affects a splice site in intron 25 of the FANCA gene. It is expected to disrupt RNA splicing. Variants that disrupt the donor or acceptor splice site typically lead to a loss of protein function (PMID: 16199547), and loss-of-function variants in FANCA are known to be pathogenic (PMID: 19367192). This variant is not present in population databases (gnomAD no frequency). This variant has not been reported in the literature in individuals affected with FANCA-related conditions.

Fulgent Genetics
Classification: Likely pathogenic for Fanconi anemia complementation group A. Last evaluated: 2021-07-06. Review status: criteria provided, single submitter. Criteria: ACMG Guidelines, 2015. Collection method: clinical testing. Allele origin: unknown.

Leiden Open Variation Database
Classification: Uncertain significance for Fanconi anemia complementation group A. Last evaluated: 2020-02-28. Review status: no assertion criteria provided. Collection method: curation. Allele origin: germline. Affected: yes. Not counted in ClinVar's aggregate classification.
Comment: Curator: Arleen D. Auerbach. Submitter to LOVD: Arleen D. Auerbach.

Literature cited by the submitters: PubMed 16199547 (cited by Labcorp Genetics (formerly Invitae), Labcorp); PubMed 19367192 (cited by Labcorp Genetics (formerly Invitae), Labcorp).

NM_000135.4(FANCA):c.2316+1_2316+3del

Gene: FANCA (FA complementation group A; minus strand). Cytogenetic location: 16q24.3.
Variant type: Deletion.
Coding change: c.2316+1_2316+3del on transcript NM_000135.4 (MANE Select); the canonical splice donor site of the intron after coding-DNA position 2316 through 3 bases into the intron after coding-DNA position 2316, 3 bases deleted (GTG; older notation c.2316+1_2316+3delGTG).
Molecular consequence: splice donor variant.
Genome position (GRCh38, 1-based): chr16:89,770,163-89,770,165, CAC deleted on the plus strand (GTG on the coding strand, the reverse complement: FANCA is on the minus strand); deleting any 3 consecutive bases within chr16:89,770,163-89,770,166 gives the same sequence; the c. name uses the placement nearest the transcript's 3' end. VCF-style (leftmost placement, unchanged base first): chr16-89770162-TCAC-T. GRCh37 (hg19) VCF-style: chr16-89836570-TCAC-T.
Other names: c.2316+1_2316+3del (NM_001286167.3); c.2316+1_2316+3delGTG (NM_000135.3).
Identifiers: ClinVar variation 974029 (VCV000974029.9), dbSNP rs2039275264, ClinGen allele CA1139665013.